The following is an entry in ClinVar:

ClinVar aggregate classification (germline): Pathogenic (1 of 4 stars; one submission).

Conditions:
Ataxia-telangiectasia syndrome (AT). Also called: Ataxia-telangiectasia, complementation group D; ATAXIA-TELANGIECTASIA, COMPLEMENTATION GROUP A; ATAXIA-TELANGIECTASIA, FRESNO VARIANT; Ataxia-telangiectasia; Ataxia telangiectasia (A-T); Cerebello-oculocutaneous telangiectasia. Identifiers: Orphanet 100, MedGen C0004135, MONDO:0008840, OMIM 208900.

Submission:

Labcorp Genetics (formerly Invitae), Labcorp
Classification: Pathogenic for Ataxia-telangiectasia syndrome. Last evaluated: 2022-09-20. Review status: criteria provided, single submitter. Criteria: Invitae Variant Classification Sherloc (09022015). Collection method: clinical testing. Allele origin: germline.
Comment: This sequence change creates a premature translational stop signal (p.Asn856Lysfs*4) in the ATM gene. It is expected to result in an absent or disrupted protein product. Loss-of-function variants in ATM are known to be pathogenic (PMID: 23807571, 25614872). For these reasons, this variant has been classified as Pathogenic. This variant has not been reported in the literature in individuals affected with ATM-related conditions. This variant is not present in population databases (gnomAD no frequency).

Literature cited by the submitters: PubMed 23807571; PubMed 25614872.

NM_000051.4(ATM):c.2567dup (p.Asn856fs)

Gene: ATM (ATM serine/threonine kinase; plus strand). Cytogenetic location: 11q22.3.
Variant type: Duplication.
Coding change: c.2567dup on transcript NM_000051.4 (MANE Select); coding-DNA position 2567, one base duplicated (A; older notation c.2567dupA).
Protein change: p.Asn856fs; shifts the reading frame from asparagine 856.
Molecular consequence: frameshift variant.
Genome position (GRCh38, 1-based): chr11:108,267,271, A duplicated; the last of 2 consecutive A bases (chr11:108,267,270-108,267,271); duplicating either gives the same sequence. VCF-style (leftmost placement, unchanged base first): chr11-108267269-G-GA. GRCh37 (hg19) VCF-style: chr11-108137996-G-GA.
Other names: c.2567dup, p.Asn856fs (NM_001351834.2); short protein forms N856fs.
Identifiers: ClinVar variation 2031463 (VCV002031463.4), dbSNP rs2497595591, ClinGen allele CA2580083016.